The following is an entry in ClinVar:

ClinVar aggregate classification (germline): Likely benign. Review status: criteria provided, multiple submitters, no conflicts (2 of 4 stars). 3 submissions from 3 submitters: Likely benign (3). Last evaluated 2026-06-01.

Conditions:
Cardiovascular phenotype. Identifiers: MedGen CN230736.
Ehlers-Danlos syndrome, musculocontractural type (EDSMC). Also called: ARTHROGRYPOSIS, DISTAL, WITH PECULIAR FACIES AND HYDRONEPHROSIS; DUNDAR SYNDROME; ADDUCTED THUMB-CLUBFOOT SYNDROME; Adducted thumb, clubfoot, progressive joint and skin laxity syndrome. Identifiers: Orphanet 2953, MedGen C1866294, MONDO:0011142.

Allele frequency attached by ClinVar (database versions not stated): gnomAD exomes below 0.00001 and 0.00001; ExAC 0.00002; gnomAD 0.00003; TOPMed 0.00003; ESP Exome Variant Server 0.00008.

Submissions (3):

CeGaT Center for Human Genetics Tuebingen
Classification: Likely benign. Last evaluated: 2026-06-01. Review status: criteria provided, single submitter. Criteria: CeGaT Center For Human Genetics Tuebingen Variant Classification Criteria Version 2. Collection method: clinical testing. Allele origin: germline. Affected: yes. Observed: 1 variant allele.
Comment: CHST14: BP4, BP7

Labcorp Genetics (formerly Invitae), Labcorp
Classification: Likely benign for Ehlers-Danlos syndrome, musculocontractural type. Last evaluated: 2025-09-23. Review status: criteria provided, single submitter. Criteria: Invitae Variant Classification Sherloc (09022015). Collection method: clinical testing. Allele origin: germline.

Ambry Genetics
Classification: Likely benign for Cardiovascular phenotype. Last evaluated: 2022-04-25. Review status: criteria provided, single submitter. Criteria: Ambry Variant Classification Scheme 2023. Collection method: clinical testing. Allele origin: germline.

NM_130468.4(CHST14):c.537C>T (p.Arg179=)

Gene: CHST14 (carbohydrate sulfotransferase 14; plus strand). Cytogenetic location: 15q15.1.
Variant type: single nucleotide variant.
Coding change: c.537C>T on transcript NM_130468.4 (MANE Select); coding-DNA position 537, C replaced by T.
Protein change: p.Arg179=; no amino-acid change (arginine 179 retained).
Molecular consequence: synonymous variant.
Genome position (GRCh38, 1-based): chr15:40,471,750, C>T. VCF-style: chr15-40471750-C-T. GRCh37 (hg19) VCF-style: chr15-40763949-C-T.
Identifiers: ClinVar variation 750289 (VCV000750289.8), dbSNP rs140858116, ClinGen allele CA7481611.